The following is an entry in ClinVar:

NM_020778.5(ALPK3):c.5024A>G (p.Lys1675Arg)

Gene: ALPK3 (alpha kinase 3; plus strand). Cytogenetic location: 15q25.3.
Variant type: single nucleotide variant.
Coding change: c.5024A>G on transcript NM_020778.5 (MANE Select); coding-DNA position 5024, A replaced by G.
Protein change: p.Lys1675Arg; replaces lysine 1675 with arginine.
Molecular consequence: missense variant.
Genome position (GRCh38, 1-based): chr15:84,868,362, A>G. VCF-style: chr15-84868362-A-G. GRCh37 (hg19) VCF-style: chr15-85411593-A-G.
Other names: short protein forms K1675R.
Identifiers: ClinVar variation 1748757 (VCV001748757.8), dbSNP rs771364224, ClinGen allele CA7710141.
Genomic context (GRCh38, chr15:84,868,362, plus strand): 5'-AGCCCCAGAAGAAAGGCCTCCCTAGTCCTCAGGGCACCCGGAAGAGTGCTCCAAGTTCCA[A>G]GGCCACCCCTCAGGCCTCAGAGCCAGTCACCACTCAGTTGTTGGGACAGCCTCCCACCCA-3'
Protein context (NP_065829.4, residues 1665-1685): QGTRKSAPSS[Lys1675Arg]ATPQASEPVT

ClinVar aggregate classification (germline): Uncertain significance. Review status: criteria provided, multiple submitters, no conflicts (2 of 4 stars). 3 submissions from 3 submitters: Uncertain significance (3). Last evaluated 2025-10-19.

Conditions:
Cardiovascular phenotype. Identifiers: MedGen CN230736.
ALPK3-associated recessive cardiomyopathy.

Allele frequency attached by ClinVar (database versions not stated): gnomAD 0.00001; TOPMed 0.00001; ExAC 0.00006.
gnomAD v4.1: 13 of 1,613,904 alleles (0.00081%); highest among the groups gnomAD compares: East Asian, 0.027%; no homozygotes.

Submissions (3):

Labcorp Genetics (formerly Invitae), Labcorp
Classification: Uncertain significance. Last evaluated: 2025-10-19. Review status: criteria provided, single submitter. Criteria: Invitae Variant Classification Sherloc (09022015). Collection method: clinical testing. Allele origin: germline.
Comment: This sequence change replaces lysine, which is basic and polar, with arginine, which is basic and polar, at codon 1877 of the ALPK3 protein (p.Lys1877Arg). This variant is present in population databases (rs771364224, gnomAD 0.06%). This variant has not been reported in the literature in individuals affected with ALPK3-related conditions. ClinVar contains an entry for this variant (Variation ID: 1748757). Invitae Evidence Modeling of protein sequence and biophysical properties (such as structural, functional, and spatial information, amino acid conservation, physicochemical variation, residue mobility, and thermodynamic stability) indicates that this missense variant is not expected to disrupt ALPK3 protein function with a negative predictive value of 80%. In summary, the available evidence is currently insufficient to determine the role of this variant in disease. Therefore, it has been classified as a Variant of Uncertain Significance.

Ambry Genetics
Classification: Uncertain significance for Cardiovascular phenotype. Last evaluated: 2022-08-08. Review status: criteria provided, single submitter. Criteria: Ambry Variant Classification Scheme 2023. Collection method: clinical testing. Allele origin: germline.
Comment: The p.K1877R variant (also known as c.5630A>G), located in coding exon 14 of the ALPK3 gene, results from an A to G substitution at nucleotide position 5630. The lysine at codon 1877 is replaced by arginine, an amino acid with highly similar properties. This amino acid position is conserved. In addition, this alteration is predicted to be tolerated by in silico analysis. Since supporting evidence is limited at this time, the clinical significance of this alteration remains unclear.

Clinical Genomics Laboratory, Stanford Medicine
Classification: Uncertain significance for ALPK3-associated recessive cardiomyopathy. Last evaluated: 2022-05-20. Review status: criteria provided, single submitter. Criteria: ACMG Guidelines, 2015. Collection method: clinical testing. Allele origin: germline. Observed: 1 variant allele, 1 heterozygote.
Comment: The p.Lys1877Arg variant in the ALPK3 gene has not been previously reported in association with disease. This variant has been identified in 12/19,954 East Asian chromosomes by the Genome Aggregation Database. Computational tools predict that this variant does not impact protein function; however, the accuracy of in silico algorithms is limited. These data were assessed using the ACMG/AMP variant interpretation guidelines. In summary, the significance of the p.Lys1877Arg variant is uncertain. Additional information is needed to resolve the significance of this variant. [ACMG evidence codes used: PM2; BP4]